The following is an entry in ClinVar:

ClinVar aggregate classification (germline): Pathogenic (1 of 4 stars; one submission).

Conditions:
Mucopolysaccharidosis, MPS-II (MPS2). Also called: Hunter Syndrome; IDURONATE 2-SULFATASE DEFICIENCY; Mucopolysaccharidosis Type II; Mucopolysaccharidosis type 2; Attenuated MPS (subtype; formerly known as mild MPS II); Severe MPS II. Identifiers: Orphanet 580, Orphanet 79388, MedGen C0026705, MONDO:0010674, OMIM 309900.

Submission:

Laboratory of Diagnosis and Therapy of Lysosomal Disorders, University of Padova
Classification: Pathogenic for Mucopolysaccharidosis, MPS-II. Last evaluated: 2024-06-07. Review status: criteria provided, single submitter. Criteria: ACMG Guidelines, 2015. Collection method: literature only. Allele origin: germline. Affected: yes. Observed: 1 variant allele.
Comment: Null variant (PVS1_VeryStrong), Absent from controls (or at low frequency) in gnomAD database (PM2_Moderate), Patient’s phenotype or family history highly specific for the disease (PP4_Strong)

Classification method: ACMG Guidelines [PMID:25741868] with modifications

Literature cited by the submitters: PubMed 9222763.

NM_000202.8(IDS):c.701_708del (p.Arg233_Tyr234insTer)

Genes: IDS (iduronate 2-sulfatase; minus strand), LOC106050102 (IDS recombination region; plus strand). Cytogenetic location: Xq28.
Variant type: Deletion.
Coding change: c.701_708del on transcript NM_000202.8 (MANE Select); coding-DNA positions 701 to 708, 8 bases deleted (ACCCCAAG; older notation c.701_708delACCCCAAG).
Protein change: p.Arg233_Tyr234insTer.
Molecular consequence: nonsense. On other transcripts: non-coding transcript variant (1).
Genome position (GRCh38, 1-based): chrX:149,498,107-149,498,114, CTTGGGGT deleted on the plus strand (ACCCCAAG on the coding strand, the reverse complement: IDS is on the minus strand). VCF-style (leftmost placement, unchanged base first): chrX-149498106-CCTTGGGGT-C. GRCh37 (hg19) VCF-style: chrX-148579637-CCTTGGGGT-C.
Other names: c.431_438del, p.Arg143_Tyr144insTer (NM_001166550.4); c.701_708del, p.Arg233_Tyr234insTer (NM_006123.5).
Identifiers: ClinVar variation 3255810 (VCV003255810.2).
Genomic context (GRCh38, chrX:149,498,106, plus strand): 5'-CCCTCAACAAACAACACAGCTGTCACAGCTGTGCTGGATCAGCCCTCAACCAGCTCTTCA[CCTTGGGGT>C]ATCTGAAGGGGATGTGTGGCTTATGATACCCAACGGCCAGGAAGAAAGGACTGGCTGACG-3'